The following is an entry in ClinVar:

NM_030667.3(PTPRO):c.639C>T (p.His213=)

Gene: PTPRO (protein tyrosine phosphatase receptor type O; plus strand). Cytogenetic location: 12p12.3.
Variant type: single nucleotide variant.
Coding change: c.639C>T on transcript NM_030667.3 (MANE Select); coding-DNA position 639, C replaced by T.
Protein change: p.His213=; no amino-acid change (histidine 213 retained).
Molecular consequence: synonymous variant.
Genome position (GRCh38, 1-based): chr12:15,499,572, C>T. VCF-style: chr12-15499572-C-T. GRCh37 (hg19) VCF-style: chr12-15652506-C-T.
Other names: c.639C>T (NM_030667.2); c.639C>T, p.His213= (NM_002848.4).
Identifiers: ClinVar variation 2085274 (VCV002085274.7), dbSNP rs142711597, ClinGen allele CA6466328.
Genomic context (GRCh38, chr12:15,499,572, plus strand): 5'-GCTGGTATCTGAGGCAACTTTTAATAAAAGTACCCTTGTTGAGTACAGTGGTGTCAGTCA[C>T]GAACCCAAACAGCACAGAACTGGTAAGTCTCCTGAAGAATCAAATACAGTGAAAAAATAA-3'
Protein context (NP_109592.1, residues 203-223): STLVEYSGVS[His213=]EPKQHRTAPY

ClinVar aggregate classification (germline): Benign/Likely benign. Review status: criteria provided, multiple submitters, no conflicts (2 of 4 stars). 3 submissions from 3 submitters: Benign (1); Likely benign (1). 1 of the submissions does not count toward it. Last evaluated 2026-01-07.

Conditions:
PTPRO-related disorder. Also called: PTPRO-related condition.

Allele frequency attached by ClinVar (database versions not stated): gnomAD exomes 0.00012; ExAC 0.00033; 1000 Genomes Project 30x 0.00047; 1000 Genomes Project 0.00060; gnomAD 0.00108; TOPMed 0.00133; ESP Exome Variant Server 0.00169.
gnomAD v4.1: 358 of 1,613,696 alleles (0.022%); highest among the groups gnomAD compares: African/African-American, 0.29%; no homozygotes.

Submissions (3):

Labcorp Genetics (formerly Invitae), Labcorp
Classification: Benign. Last evaluated: 2026-01-07. Review status: criteria provided, single submitter. Criteria: Invitae Variant Classification Sherloc (09022015). Collection method: clinical testing. Allele origin: germline.

Blueprint Genetics
Classification: Likely benign. Last evaluated: 2024-10-09. Review status: criteria provided, single submitter. Criteria: ACMG Guidelines, 2015. Collection method: clinical testing. Allele origin: germline.

PreventionGenetics, part of Exact Sciences
Classification: Likely benign for PTPRO-related condition. Last evaluated: 2020-01-15. Review status: no assertion criteria provided. Collection method: clinical testing. Allele origin: germline. Not counted in ClinVar's aggregate classification.
Comment: This variant is classified as likely benign based on ACMG/AMP sequence variant interpretation guidelines (Richards et al. 2015 PMID: 25741868, with internal and published modifications).